The following is an entry in ClinVar:

ClinVar aggregate classification (germline): Uncertain significance (1 of 4 stars; one submission).

Conditions:
Duchenne muscular dystrophy (DMD). Also called: MUSCULAR DYSTROPHY, PSEUDOHYPERTROPHIC PROGRESSIVE, DUCHENNE TYPE; Duchenne Muscular Dystrophy (DMD). Identifiers: Orphanet 98896, MedGen C0013264, MONDO:0010679, OMIM 310200.

Submission:

Labcorp Genetics (formerly Invitae), Labcorp
Classification: Uncertain significance for Duchenne muscular dystrophy. Last evaluated: 2024-09-12. Review status: criteria provided, single submitter. Criteria: Invitae Variant Classification Sherloc (09022015). Collection method: clinical testing. Allele origin: germline.
Comment: This sequence change replaces glycine, which is neutral and non-polar, with alanine, which is neutral and non-polar, at codon 1556 of the DMD protein (p.Gly1556Ala). This variant is not present in population databases (gnomAD no frequency). This variant has not been reported in the literature in individuals affected with DMD-related conditions. ClinVar contains an entry for this variant (Variation ID: 1366398). Invitae Evidence Modeling of protein sequence and biophysical properties (such as structural, functional, and spatial information, amino acid conservation, physicochemical variation, residue mobility, and thermodynamic stability) indicates that this missense variant is not expected to disrupt DMD protein function with a negative predictive value of 95%. In summary, the available evidence is currently insufficient to determine the role of this variant in disease. Therefore, it has been classified as a Variant of Uncertain Significance.

NM_004006.3(DMD):c.4667G>C (p.Gly1556Ala)

Gene: DMD (dystrophin; minus strand). Cytogenetic location: Xp21.1.
Variant type: single nucleotide variant.
Coding change: c.4667G>C on transcript NM_004006.3 (MANE Select); coding-DNA position 4667, G replaced by C.
Protein change: p.Gly1556Ala; replaces glycine 1556 with alanine.
Molecular consequence: missense variant.
Genome position (GRCh38, 1-based): chrX:32,386,317, C>G on the plus strand (G>C on the coding strand, the complement: DMD is on the minus strand). VCF-style: chrX-32386317-C-G. GRCh37 (hg19) VCF-style: chrX-32404434-C-G.
Other names: c.4643G>C, p.Gly1548Ala (NM_000109.4); c.4655G>C, p.Gly1552Ala (NM_004009.3); c.4298G>C, p.Gly1433Ala (NM_004010.3); c.644G>C, p.Gly215Ala (NM_004011.4); c.635G>C, p.Gly212Ala (NM_004012.4); short protein forms G1556A, G1548A, G212A, G1552A, G1433A, G215A.
Identifiers: ClinVar variation 1366398 (VCV001366398.8), dbSNP rs2147557186, ClinGen allele CA412662476.
Genomic context (GRCh38, chrX:32,386,317, plus strand): 5'-ACAATTTATAAGGAAAGTGGAAAGAAGTGTTTGTGGTCTCAGCATGCACACACCTTTGCT[C>G]CCAGCTCATTATAATGCAATTTCAAAGCTGTTACTCTTTCATCAAGTTCTTTGGGATTTT-3'
Protein context (NP_003997.2, residues 1546-1566): TALKLHYNEL[Gly1556Ala]AKVTERKQQL